The following is an entry in ClinVar:

ClinVar aggregate classification (germline): Likely benign. Review status: criteria provided, multiple submitters, no conflicts (2 of 4 stars). 2 submissions from 2 submitters: Likely benign (2). Last evaluated 2026-08-17.

Conditions:
DST-related disorder. Also called: DST-related disorders; DST-related condition.
Epidermolysis bullosa simplex 3, localized or generalized intermediate, with BP230 deficiency (EBS3). Also called: Epidermolysis bullosa simplex due to BP230 deficiency; Epidermolysis bullosa simplex, autosomal recessive 2. Identifiers: Orphanet 412181, MedGen C3809470, MONDO:0014180, OMIM 615425.
Hereditary sensory and autonomic neuropathy type 6. Also called: Neuropathy, hereditary sensory and autonomic, type VI; HSAN VI. Identifiers: Orphanet 314381, MedGen C3539003, MONDO:0013839, OMIM 614653.

Allele frequency attached by ClinVar (database versions not stated): ExAC 0.00001; gnomAD 0.00001; gnomAD exomes 0.00001 and 0.00002; TOPMed 0.00004.
gnomAD v4.1: 40 of 1,613,818 alleles (0.0025%); highest among the groups gnomAD compares: Non-Finnish European, 0.0031%; no homozygotes.

Submissions (2):

PreventionGenetics, part of Exact Sciences
Classification: Likely benign for DST-related condition. Last evaluated: 2026-08-17. Review status: criteria provided, single submitter. Criteria: ACMG Guidelines, 2015. Collection method: clinical testing. Allele origin: germline.
Comment: This variant is classified as likely benign based on ACMG/AMP sequence variant interpretation guidelines (Richards et al. 2015 PMID: 25741868, with internal and published modifications).

Labcorp Genetics (formerly Invitae), Labcorp
Classification: Likely benign for Epidermolysis bullosa simplex 3, localized or generalized intermediate, with BP230 deficiency; Hereditary sensory and autonomic neuropathy type 6. Last evaluated: 2024-06-19. Review status: criteria provided, single submitter. Criteria: Invitae Variant Classification Sherloc (09022015). Collection method: clinical testing. Allele origin: germline.

NM_001374736.1(DST):c.16392G>A (p.Arg5464=)

Gene: DST (dystonin; minus strand). Cytogenetic location: 6p12.1.
Variant type: single nucleotide variant.
Coding change: c.16392G>A on transcript NM_001374736.1 (MANE Select); coding-DNA position 16392, G replaced by A.
Protein change: p.Arg5464=; no amino-acid change (arginine 5464 retained).
Molecular consequence: synonymous variant.
Genome position (GRCh38, 1-based): chr6:56,552,400, C>T on the plus strand (G>A on the coding strand, the complement: DST is on the minus strand). VCF-style: chr6-56552400-C-T. GRCh37 (hg19) VCF-style: chr6-56417198-C-T.
Other names: c.10035G>A (NM_001144769.2); c.10035G>A, p.Arg3345= (NM_001144769.5); c.9621G>A, p.Arg3207= (NM_001144770.2); c.16392G>A, p.Arg5464= (NM_001374722.1); c.15759G>A, p.Arg5253= (NM_001374729.1); c.9501G>A, p.Arg3167= (NM_001374730.1, NM_001386100.1, NM_183380.4); c.16419G>A, p.Arg5473= (NM_001374734.1); c.8523G>A, p.Arg2841= (NM_015548.5).
Identifiers: ClinVar variation 1152297 (VCV001152297.10), dbSNP rs770605509, ClinGen allele CA3867686.